The following is an entry in ClinVar:

NM_198253.3(TERT):c.1574-1G>A

Gene: TERT (telomerase reverse transcriptase; minus strand). Cytogenetic location: 5p15.33.
Variant type: single nucleotide variant.
Coding change: c.1574-1G>A on transcript NM_198253.3 (MANE Select); the canonical splice acceptor site of the intron before coding-DNA position 1574, G replaced by A.
Molecular consequence: splice acceptor variant.
Genome position (GRCh38, 1-based): chr5:1,282,625, C>T on the plus strand (G>A on the coding strand, the complement: TERT is on the minus strand). VCF-style: chr5-1282625-C-T. GRCh37 (hg19) VCF-style: chr5-1282740-C-T.
Other names: c.1574-1G>A (NM_001193376.3).
Identifiers: ClinVar variation 952762 (VCV000952762.8), dbSNP rs1750106866, ClinGen allele CA359083627.
Genomic context (GRCh38, chr5:1,282,625, plus strand): 5'-GGAACTTGGCCAGGATCTCCTCACGCAGACGGTGCTCTGCGGCCGGAACACAGCCAACCC[C>T]TTAAACGAGAAGGACATGCCACATCCAGATCACCGAGGGCCTGGTGACCTCACCCCGGAC-3'

ClinVar aggregate classification (germline): Likely pathogenic (1 of 4 stars; one submission).

Conditions:
Idiopathic Pulmonary Fibrosis. Also called: Idiopathic fibrosing alveolitis, chronic form; idiopathic fibrosing alveolitis. Identifiers: Orphanet 2032, MedGen C1800706, MeSH D054990, MONDO:0800504.
Dyskeratosis congenita, autosomal dominant 2. Identifiers: MedGen C3151443, MONDO:0013521, OMIM 613989.

Submission:

Labcorp Genetics (formerly Invitae), Labcorp
Classification: Likely pathogenic for Dyskeratosis congenita, autosomal dominant 2; Idiopathic Pulmonary Fibrosis. Last evaluated: 2024-02-23. Review status: criteria provided, single submitter. Criteria: Invitae Variant Classification Sherloc (09022015). Collection method: clinical testing. Allele origin: germline.
Comment: This sequence change affects an acceptor splice site in intron 2 of the TERT gene. It is expected to disrupt RNA splicing. Variants that disrupt the donor or acceptor splice site typically lead to a loss of protein function (PMID: 16199547), and loss-of-function variants in TERT are known to be pathogenic (PMID: 16247010, 17460043). This variant is not present in population databases (gnomAD no frequency). This variant has not been reported in the literature in individuals affected with TERT-related conditions. ClinVar contains an entry for this variant (Variation ID: 952762). Algorithms developed to predict the effect of sequence changes on RNA splicing suggest that this variant may disrupt the consensus splice site. In summary, the currently available evidence indicates that the variant is pathogenic, but additional data are needed to prove that conclusively. Therefore, this variant has been classified as Likely Pathogenic.

Literature cited by the submitters: PubMed 16199547; PubMed 16247010; PubMed 17460043.